The following is an entry in ClinVar:

ClinVar aggregate classification (germline): Conflicting classifications of pathogenicity. Review status: criteria provided, conflicting classifications (1 of 4 stars). 4 submissions from 4 submitters: Likely pathogenic (3); Uncertain significance (1). Last evaluated 2024-02-22.

Conditions:
Congenital myotonia, autosomal recessive form. Also called: Becker Generalized Myotonia; myotonia congenita, autosomal recessive; BECKER DISEASE. Identifiers: Orphanet 614, MedGen C0751360, MONDO:0009715, OMIM 255700.
Congenital myotonia, autosomal dominant form (THD). Also called: THOMSEN DISEASE; Myotonia congenita autosomal dominant. Identifiers: Orphanet 614, MedGen C2936781, MONDO:0008055, OMIM 160800.

Allele frequency attached by ClinVar (database versions not stated): gnomAD 0.00001; gnomAD exomes 0.00001.

Submissions (4):

GeneDx
Classification: Likely pathogenic. Last evaluated: 2024-02-22. Review status: criteria provided, single submitter. Criteria: GeneDx Variant Classification Process June 2021. Collection method: clinical testing. Allele origin: germline. Affected: yes.
Comment: Not observed at significant frequency in large population cohorts (gnomAD); In silico analysis supports that this missense variant has a deleterious effect on protein structure/function; Has not been previously published as pathogenic or benign to our knowledge

Labcorp Genetics (formerly Invitae), Labcorp
Classification: Likely pathogenic for Congenital myotonia, autosomal recessive form; Congenital myotonia, autosomal dominant form. Last evaluated: 2023-12-19. Review status: criteria provided, single submitter. Criteria: Invitae Variant Classification Sherloc (09022015). Collection method: clinical testing. Allele origin: germline.
Comment: This sequence change replaces alanine, which is neutral and non-polar, with proline, which is neutral and non-polar, at codon 415 of the CLCN1 protein (p.Ala415Pro). This variant is present in population databases (no rsID available, gnomAD 0.008%). This variant has not been reported in the literature in individuals affected with CLCN1-related conditions. ClinVar contains an entry for this variant (Variation ID: 1190716). Advanced modeling of protein sequence and biophysical properties (such as structural, functional, and spatial information, amino acid conservation, physicochemical variation, residue mobility, and thermodynamic stability) performed at Invitae indicates that this missense variant is expected to disrupt CLCN1 protein function with a positive predictive value of 95%. This variant disrupts the p.Ala415 amino acid residue in CLCN1. Other variant(s) that disrupt this residue have been determined to be pathogenic (PMID: 8571958, 9736066). This suggests that this residue is clinically significant, and that variants that disrupt this residue are likely to be disease-causing. In summary, the currently available evidence indicates that the variant is pathogenic, but additional data are needed to prove that conclusively. Therefore, this variant has been classified as Likely Pathogenic.

Greenwood Genetic Center Diagnostic Laboratories, Greenwood Genetic Center
Classification: Likely pathogenic for Congenital myotonia, autosomal recessive form. Last evaluated: 2022-02-23. Review status: criteria provided, single submitter. Criteria: ACMG Guidelines, 2015. Collection method: clinical testing. Allele origin: germline. Affected: yes.
Comment: PM1, PM2, PM3, PP3

Revvity Omics, Revvity
Classification: Uncertain significance. Last evaluated: 2019-03-07. Review status: criteria provided, single submitter. Criteria: ACMG Guidelines, 2015. Collection method: clinical testing. Allele origin: germline.

Literature cited by the submitters: PubMed 8571958 (cited by Labcorp Genetics (formerly Invitae), Labcorp); PubMed 9736066 (cited by Labcorp Genetics (formerly Invitae), Labcorp).

NM_000083.3(CLCN1):c.1243G>C (p.Ala415Pro)

Gene: CLCN1 (chloride voltage-gated channel 1; plus strand). Cytogenetic location: 7q34.
Variant type: single nucleotide variant.
Coding change: c.1243G>C on transcript NM_000083.3 (MANE Select); coding-DNA position 1243, G replaced by C.
Protein change: p.Ala415Pro; replaces alanine 415 with proline.
Molecular consequence: missense variant. On other transcripts: non-coding transcript variant (1).
Genome position (GRCh38, 1-based): chr7:143,332,495, G>C. VCF-style: chr7-143332495-G-C. GRCh37 (hg19) VCF-style: chr7-143029588-G-C.
Other names: short protein forms A415P.
Identifiers: ClinVar variation 1190716 (VCV001190716.11), dbSNP rs1023099235, ClinGen allele CA168214027.